The following is an entry in ClinVar:

GRCh37/hg19 1q44(chr1:246820858-249213969)x3

Genes: AHCTF1 (AT-hook containing transcription factor 1; minus strand), CNST (consortin, connexin sorting protein; plus strand), GCSAML (germinal center associated signaling and motility like; plus strand), LINC02897 (long intergenic non-protein coding RNA 2897; minus strand), LYPD8 (LY6/PLAUR domain containing 8; minus strand) and 52 more. Cytogenetic location: 1q44.
Variant type: copy number gain.
Change: copy number 3 (three copies instead of two) of chr1:246,820,858-249,213,969 (2.39 Mb, GRCh37 coordinates, 1-based), cytogenetic band 1q44.
Identifiers: ClinVar variation 1328437 (VCV001328437.4).

ClinVar aggregate classification (germline): Uncertain significance (1 of 4 stars; one submission).

Submission:

Illumina Laboratory Services, Illumina
Classification: Uncertain significance. Last evaluated: 2021-01-11. Review status: criteria provided, single submitter. Criteria: ICSL CNVClassificationCriteria Aug2020. Collection method: clinical testing. Allele origin: unknown.
Comment: This CNV is a 1.7 Mb duplication of 1q44, on chromosome 1, (seq[GRCh37]dup(1)(q44); chr1:g.246820858_249213969dup) that is inherited in a heterozygous state. The CNV constitutes a gain encompassing 63 genes. Affected individuals with similar gains in this region have not been reported in the peer-reviewed literature. This CNV has not been reported in controls (Cooper et al. 2011; MacDonald et al. 2014). Based on the limited evidence, this CNV is classified as a variant of uncertain significance.

Literature cited by the submitters: PubMed 21841781; PubMed 24174537.